The following is an entry in ClinVar:

ClinVar aggregate classification (germline): Conflicting classifications of pathogenicity. Review status: criteria provided, conflicting classifications (1 of 4 stars). 12 submissions from 12 submitters: Uncertain significance (8); Likely benign (2). 2 of the submissions do not count toward it. Last evaluated 2026-06-01.

Conditions:
Inborn genetic diseases. Identifiers: MedGen C0950123, MeSH D030342.
Cohen syndrome (COH1). Also called: Cutis verticis gyrata, retinitis pigmentosa, and sensorineural deafness; PEPPER SYNDROME. Identifiers: Orphanet 193, MedGen C0265223, MONDO:0008999, OMIM 216550.
VPS13B-related disorder. Also called: VPS13B-related condition.

Allele frequency attached by ClinVar (database versions not stated): gnomAD exomes 0.00015 and 0.00019; ExAC 0.00018; TOPMed 0.00023; gnomAD 0.00028 and 0.00029; ESP Exome Variant Server 0.00038.
gnomAD v4.1: 266 of 1,613,346 alleles (0.016%); highest among the groups gnomAD compares: African/African-American, 0.024%; 1 homozygote.

Submissions (12):

CeGaT Center for Human Genetics Tuebingen
Classification: Likely benign. Last evaluated: 2026-06-01. Review status: criteria provided, single submitter. Criteria: CeGaT Center For Human Genetics Tuebingen Variant Classification Criteria Version 2. Collection method: clinical testing. Allele origin: germline. Affected: yes. Observed: 3 variant alleles.
Comment: VPS13B: BP4, BS1

PreventionGenetics, part of Exact Sciences
Classification: Uncertain significance for VPS13B-related condition. Last evaluated: 2026-03-02. Review status: criteria provided, single submitter. Criteria: ACMG Guidelines, 2015. Collection method: clinical testing. Allele origin: germline.
Comment: The VPS13B c.2356A>G variant is predicted to result in the amino acid substitution p.Ile786Val. To our knowledge, this variant has not been reported in the literature. This variant is reported in 0.039% of alleles in individuals of Ashkenazi Jewish descent in gnomAD. At this time, the clinical significance of this variant is uncertain due to the absence of conclusive functional and genetic evidence.

Labcorp Genetics (formerly Invitae), Labcorp
Classification: Uncertain significance for Cohen syndrome. Last evaluated: 2026-01-19. Review status: criteria provided, single submitter. Criteria: Invitae Variant Classification Sherloc (09022015). Collection method: clinical testing. Allele origin: germline.
Comment: This sequence change replaces isoleucine, which is neutral and non-polar, with valine, which is neutral and non-polar, at codon 786 of the VPS13B protein (p.Ile786Val). This variant is present in population databases (rs202052403, gnomAD 0.04%). This variant has not been reported in the literature in individuals affected with VPS13B-related conditions. ClinVar contains an entry for this variant (Variation ID: 430204). Invitae Evidence Modeling of protein sequence and biophysical properties (such as structural, functional, and spatial information, amino acid conservation, physicochemical variation, residue mobility, and thermodynamic stability) indicates that this missense variant is not expected to disrupt VPS13B protein function with a negative predictive value of 80%. In summary, the available evidence is currently insufficient to determine the role of this variant in disease. Therefore, it has been classified as a Variant of Uncertain Significance.

Mayo Clinic Laboratories, Mayo Clinic
Classification: Uncertain significance. Last evaluated: 2025-12-05. Review status: criteria provided, single submitter. Criteria: ACMG Guidelines, 2015. Collection method: clinical testing. Allele origin: germline. Observed: 2 variant alleles.
Comment: BP4_moderate

Ambry Genetics
Classification: Uncertain significance for Inborn genetic diseases. Last evaluated: 2025-04-13. Review status: criteria provided, single submitter. Criteria: Ambry Variant Classification Scheme 2023. Collection method: clinical testing. Allele origin: germline.

Blueprint Genetics
Classification: Likely benign. Last evaluated: 2024-11-23. Review status: criteria provided, single submitter. Criteria: ACMG Guidelines, 2015. Collection method: clinical testing. Allele origin: germline.

New York Genome Center
Classification: Uncertain significance for Cohen syndrome. Last evaluated: 2022-09-08. Review status: criteria provided, single submitter. Criteria: NYGC Assertion Criteria 2020. Collection method: clinical testing. Allele origin: germline. Observed: 1 heterozygote.

Department of Pathology and Laboratory Medicine, Sinai Health System
Classification: Uncertain significance for Cohen syndrome. Last evaluated: 2022-01-04. Review status: criteria provided, single submitter. Criteria: ACMG Guidelines, 2015. Collection method: research. Allele origin: germline.

Revvity Omics, Revvity
Classification: Uncertain significance for Cohen syndrome. Last evaluated: 2021-12-30. Review status: criteria provided, single submitter. Criteria: ACMG Guidelines, 2015. Collection method: clinical testing. Allele origin: germline.

GeneDx
Classification: Uncertain significance. Last evaluated: 2017-05-23. Review status: criteria provided, single submitter. Criteria: GeneDx Variant Classification (06012015). Collection method: clinical testing. Allele origin: germline. Affected: yes.
Comment: The I786V variant in the VPS13B gene has not been reported previously as a pathogenic variant, nor as a benign variant, to our knowledge. The I786V variant is observed in 18/66,688 (0.027%) alleles from individuals of European (non-Finnish) background in the ExAC dataset (Lek et al., 2016). The I786V variant is a conservative amino acid substitution, which is not likely to impact secondary protein structure as these residues share similar properties. This substitution occurs at a position that is not conserved, and in silico analysis predicts this variant likely does not alter the protein structure/function. We interpret I786V as a variant of uncertain significance.

Clinical Genetics DNA and cytogenetics Diagnostics Lab, Erasmus MC, Erasmus Medical Center
Classification: Likely benign. Review status: no assertion criteria provided. Collection method: clinical testing. Allele origin: germline. Affected: yes. Study: VKGL Data-share Consensus. Not counted in ClinVar's aggregate classification.

Clinical Genetics, Academic Medical Center
Classification: Likely benign. Review status: no assertion criteria provided. Collection method: clinical testing. Allele origin: germline. Affected: yes. Study: VKGL Data-share Consensus. Not counted in ClinVar's aggregate classification.

NM_152564.5(VPS13B):c.2356A>G (p.Ile786Val)

Gene: VPS13B (vacuolar protein sorting 13 homolog B; plus strand). Cytogenetic location: 8q22.2.
Variant type: single nucleotide variant.
Coding change: c.2356A>G on transcript NM_152564.5 (MANE Select); coding-DNA position 2356, A replaced by G.
Protein change: p.Ile786Val; replaces isoleucine 786 with valine.
Molecular consequence: missense variant.
Genome position (GRCh38, 1-based): chr8:99,192,898, A>G. VCF-style: chr8-99192898-A-G. GRCh37 (hg19) VCF-style: chr8-100205126-A-G.
Other names: p.Ile786Val; c.2356A>G (NM_152564.4); c.2356A>G, p.Ile786Val (NM_015243.3, NM_017890.5); short protein forms I786V.
Identifiers: ClinVar variation 430204 (VCV000430204.54), dbSNP rs202052403, ClinGen allele CA4822893.
Genomic context (GRCh38, chr8:99,192,898, plus strand): 5'-ATTTACTGTATTGCGATTCTTTCTGTTTTCTTGTGCAGGACCAAAAGATCTCAGATTGCT[A>G]TAACTGAAGGTATATTTGAACTTCCAAATCTCACAATTCAAGCTACAAGAGCACAGACAC-3'
Protein context (NP_689777.3, residues 776-796): TCWTKRSQIA[Ile786Val]TEGIFELPNL